The following is an entry in ClinVar:

ClinVar aggregate classification (germline): Benign/Likely benign. Review status: criteria provided, multiple submitters, no conflicts (2 of 4 stars). 4 submissions from 4 submitters: Benign (2); Likely benign (2). Last evaluated 2026-09-01.

Allele frequency attached by ClinVar (database versions not stated): gnomAD 0.00006; TOPMed 0.00015; gnomAD exomes 0.00017 and 0.00038; ExAC 0.00029.
gnomAD v4.1: 109 of 1,612,322 alleles (0.0068%); highest among the groups gnomAD compares: Admixed American, 0.18%; no homozygotes.

Submissions (4):

CeGaT Center for Human Genetics Tuebingen
Classification: Likely benign. Last evaluated: 2026-09-01. Review status: criteria provided, single submitter. Criteria: CeGaT Center For Human Genetics Tuebingen Variant Classification Criteria Version 2. Collection method: clinical testing. Allele origin: germline. Affected: yes. Observed: 1 variant allele.
Comment: TUBGCP6: BP4, BP7

Labcorp Genetics (formerly Invitae), Labcorp
Classification: Benign. Last evaluated: 2026-01-26. Review status: criteria provided, single submitter. Criteria: Invitae Variant Classification Sherloc (09022015). Collection method: clinical testing. Allele origin: germline.

Blueprint Genetics
Classification: Likely benign. Last evaluated: 2022-11-06. Review status: criteria provided, single submitter. Criteria: ACMG Guidelines, 2015. Collection method: clinical testing. Allele origin: germline.

Breakthrough Genomics
Classification: Benign. Review status: criteria provided, single submitter. Criteria: ACMG Guidelines, 2015. Collection method: not provided. Allele origin: germline. Inheritance: Autosomal recessive inheritance. Affected: yes.

NM_020461.4(TUBGCP6):c.5178C>T (p.Leu1726=)

Gene: TUBGCP6 (tubulin gamma complex component 6; minus strand). Cytogenetic location: 22q13.33.
Variant type: single nucleotide variant.
Coding change: c.5178C>T on transcript NM_020461.4 (MANE Select); coding-DNA position 5178, C replaced by T.
Protein change: p.Leu1726=; no amino-acid change (leucine 1726 retained).
Molecular consequence: synonymous variant.
Genome position (GRCh38, 1-based): chr22:50,218,108, G>A on the plus strand (C>T on the coding strand, the complement: TUBGCP6 is on the minus strand). VCF-style: chr22-50218108-G-A. GRCh37 (hg19) VCF-style: chr22-50656537-G-A.
Identifiers: ClinVar variation 778628 (VCV000778628.13), dbSNP rs779558085, ClinGen allele CA10307130.